The following is an entry in ClinVar:

ClinVar aggregate classification (germline): Likely benign. Review status: criteria provided, multiple submitters, no conflicts (2 of 4 stars). 3 submissions from 3 submitters: Likely benign (3). Last evaluated 2024-01-21.

Conditions:
Charcot-Marie-Tooth disease type 2. Also called: Charcot-Marie-Tooth type 2. Identifiers: Orphanet 64746, MedGen C0270914, MONDO:0018993.
Inborn genetic diseases. Identifiers: MedGen C0950123, MeSH D030342.

Allele frequency attached by ClinVar (database versions not stated): ExAC 0.00001; gnomAD 0.00001; gnomAD exomes 0.00001; TOPMed below 0.00001.

Submissions (3):

Labcorp Genetics (formerly Invitae), Labcorp
Classification: Likely benign for Charcot-Marie-Tooth disease type 2. Last evaluated: 2024-01-21. Review status: criteria provided, single submitter. Criteria: Invitae Variant Classification Sherloc (09022015). Collection method: clinical testing. Allele origin: germline.

Ambry Genetics
Classification: Likely benign for Inborn genetic diseases. Last evaluated: 2019-07-11. Review status: criteria provided, single submitter. Criteria: Ambry Variant Classification Scheme 2023. Collection method: clinical testing. Allele origin: germline.

GeneDx
Classification: Likely benign. Last evaluated: 2016-08-17. Review status: criteria provided, single submitter. Criteria: GeneDx Variant Classification (06012015). Collection method: clinical testing. Allele origin: germline. Affected: yes.
Comment: This variant is considered likely benign or benign based on one or more of the following criteria: it is a conservative change, it occurs at a poorly conserved position in the protein, it is predicted to be benign by multiple in silico algorithms, and/or has population frequency not consistent with disease.

NM_001605.3(AARS1):c.2238C>T (p.Ala746=)

Gene: AARS1 (alanyl-tRNA synthetase 1; minus strand). Cytogenetic location: 16q22.1.
Variant type: single nucleotide variant.
Coding change: c.2238C>T on transcript NM_001605.3 (MANE Select); coding-DNA position 2238, C replaced by T.
Protein change: p.Ala746=; no amino-acid change (alanine 746 retained).
Molecular consequence: synonymous variant.
Genome position (GRCh38, 1-based): chr16:70,255,776, G>A on the plus strand (C>T on the coding strand, the complement: AARS1 is on the minus strand). VCF-style: chr16-70255776-G-A. GRCh37 (hg19) VCF-style: chr16-70289679-G-A.
Identifiers: ClinVar variation 388683 (VCV000388683.7), dbSNP rs767405300, ClinGen allele CA8140507.